The following is an entry in ClinVar:

ClinVar aggregate classification (germline): Likely pathogenic (1 of 4 stars; one submission).

Conditions:
Athabaskan severe combined immunodeficiency (SCIDA). Also called: Severe combined immunodeficiency, athabascan-type. Identifiers: MedGen C1865370.

Submission:

Natera, Inc.
Classification: Likely pathogenic for Athabascan severe combined immunodeficiency. Last evaluated: 2025-02-17. Review status: criteria provided, single submitter. Criteria: Natera Variant Classification Schema (03/2026). Collection method: clinical testing. Allele origin: germline.
Comment: The c.110-2A>G variant in DCLRE1C is a canonical splice acceptor site variant predicted to affect pre-mRNA splicing, which may result in an abnormal transcript and altered protein product. This variant is expected to result in nonsense mediated decay, truncation, or a dysfunctional protein product. This variant is rare in the general population with a frequency below the threshold expected for the associated phenotype(s). Given the available evidence, this variant is classified as Likely Pathogenic.

NM_001033855.3(DCLRE1C):c.110-2A>G

Gene: DCLRE1C (DNA cross-link repair 1C; minus strand). Cytogenetic location: 10p13.
Variant type: single nucleotide variant.
Coding change: c.110-2A>G on transcript NM_001033855.3 (MANE Select); the canonical splice acceptor site of the intron before coding-DNA position 110, A replaced by G.
Molecular consequence: splice acceptor variant. On other transcripts: intron variant (2).
Genome position (GRCh38, 1-based): chr10:14,949,089, T>C on the plus strand (A>G on the coding strand, the complement: DCLRE1C is on the minus strand). VCF-style: chr10-14949089-T-C. GRCh37 (hg19) VCF-style: chr10-14991088-T-C.
Other names: c.-128-3900A>G (NM_001350966.2, NM_001289078.2); c.110-2A>G (NM_001350965.2); c.-336-2A>G (NM_001350967.2, NM_001033857.3); c.-95-2A>G (NM_001289076.2); c.-180-2A>G (NM_022487.4); c.-382-2A>G (NM_001289077.2); c.-704-2A>G (NM_001289079.2); c.-658-2A>G (NM_001033858.3).
Identifiers: ClinVar variation 4065793 (VCV004065793.2).